The following is an entry in ClinVar:

ClinVar aggregate classification (germline): Uncertain significance (1 of 4 stars; one submission).

Allele frequency attached by ClinVar (database versions not stated): gnomAD exomes below 0.00001 and 0.00001; ExAC 0.00002.
gnomAD v4.1: 3 of 1,612,948 alleles (0.00019%); highest among the groups gnomAD compares: South Asian, 0.0033%; no homozygotes.

Submission:

Labcorp Genetics (formerly Invitae), Labcorp
Classification: Uncertain significance. Last evaluated: 2021-11-24. Review status: criteria provided, single submitter. Criteria: Invitae Variant Classification Sherloc (09022015). Collection method: clinical testing. Allele origin: germline.
Comment: In summary, the available evidence is currently insufficient to determine the role of this variant in disease. Therefore, it has been classified as a Variant of Uncertain Significance. Algorithms developed to predict the effect of missense changes on protein structure and function (SIFT, PolyPhen-2, Align-GVGD) all suggest that this variant is likely to be tolerated. This variant has not been reported in the literature in individuals affected with LAMA5-related conditions. This variant is present in population databases (rs754215421, gnomAD 0.01%). This sequence change replaces glycine, which is neutral and non-polar, with alanine, which is neutral and non-polar, at codon 1632 of the LAMA5 protein (p.Gly1632Ala).

NM_005560.6(LAMA5):c.4895G>C (p.Gly1632Ala)

Gene: LAMA5 (laminin subunit alpha 5; minus strand). Cytogenetic location: 20q13.33.
Variant type: single nucleotide variant.
Coding change: c.4895G>C on transcript NM_005560.6 (MANE Select); coding-DNA position 4895, G replaced by C.
Protein change: p.Gly1632Ala; replaces glycine 1632 with alanine.
Molecular consequence: missense variant.
Genome position (GRCh38, 1-based): chr20:62,327,572, C>G on the plus strand (G>C on the coding strand, the complement: LAMA5 is on the minus strand). VCF-style: chr20-62327572-C-G. GRCh37 (hg19) VCF-style: chr20-60902628-C-G.
Other names: short protein forms G1632A.
Identifiers: ClinVar variation 1353418 (VCV001353418.6), dbSNP rs754215421, ClinGen allele CA9942445.